The following is an entry in ClinVar:

ClinVar aggregate classification (germline): Pathogenic. Review status: criteria provided, multiple submitters, no conflicts (2 of 4 stars). 2 submissions from 2 submitters: Pathogenic (2). Last evaluated 2022-02-15.

Conditions:
Intellectual developmental disorder, X-linked 1. Also called: Intellectual disability, X-linked 1; MENTAL RETARDATION, X-LINKED 18; MENTAL RETARDATION, X-LINKED 78; Atkin Flaitz Patil Smith syndrome. Identifiers: Orphanet 777, MedGen C2931498, MONDO:0010656, OMIM 309530.

Submissions (2):

Labcorp Genetics (formerly Invitae), Labcorp
Classification: Pathogenic for Intellectual developmental disorder, X-linked 1. Last evaluated: 2022-02-15. Review status: criteria provided, single submitter. Criteria: Invitae Variant Classification Sherloc (09022015). Collection method: clinical testing. Allele origin: germline.
Comment: This variant has not been reported in the literature in individuals affected with IQSEC2-related conditions. ClinVar contains an entry for this variant (Variation ID: 1176938). For these reasons, this variant has been classified as Pathogenic. This variant is not present in population databases (gnomAD no frequency). This sequence change creates a premature translational stop signal (p.Ser277Profs*29) in the IQSEC2 gene. It is expected to result in an absent or disrupted protein product. Loss-of-function variants in IQSEC2 are known to be pathogenic (PMID: 21686261, 26793055, 27665735).

CeGaT Center for Human Genetics Tuebingen
Classification: Pathogenic. Last evaluated: 2021-03-01. Review status: criteria provided, single submitter. Criteria: CeGaT Center For Human Genetics Tuebingen Variant Classification Criteria Version 2. Collection method: clinical testing. Allele origin: germline. Affected: yes. Observed: 1 variant allele.

Literature cited by the submitters: PubMed 21686261 (cited by Labcorp Genetics (formerly Invitae), Labcorp); PubMed 26793055 (cited by Labcorp Genetics (formerly Invitae), Labcorp); PubMed 27665735 (cited by Labcorp Genetics (formerly Invitae), Labcorp).

NM_001111125.3(IQSEC2):c.828del (p.Ser277fs)

Gene: IQSEC2 (IQ motif and Sec7 domain ArfGEF 2; minus strand). Cytogenetic location: Xp11.22.
Variant type: Deletion.
Coding change: c.828del on transcript NM_001111125.3 (MANE Select); coding-DNA position 828, one base deleted (C; older notation c.828delC).
Protein change: p.Ser277fs; shifts the reading frame from serine 277.
Molecular consequence: frameshift variant.
Genome position (GRCh38, 1-based): chrX:53,255,971, G deleted on the plus strand (C on the coding strand, the reverse complement: IQSEC2 is on the minus strand); the first of 6 consecutive G bases (chrX:53,255,971-53,255,976); deleting any one gives the same sequence. VCF-style (leftmost placement, unchanged base first): chrX-53255970-AG-A. GRCh37 (hg19) VCF-style: chrX-53285152-AG-A.
Other names: c.213del, p.Ser72fs (NM_015075.2); short protein forms S277fs, S72fs.
Identifiers: ClinVar variation 1176938 (VCV001176938.40), dbSNP rs1556865104, ClinGen allele CA641903998.